The following is an entry in ClinVar:

ClinVar aggregate classification (germline): Uncertain significance (1 of 4 stars; one submission).

Submission:

Labcorp Genetics (formerly Invitae), Labcorp
Classification: Uncertain significance. Last evaluated: 2022-08-10. Review status: criteria provided, single submitter. Criteria: Invitae Variant Classification Sherloc (09022015). Collection method: clinical testing. Allele origin: germline.
Comment: In summary, the available evidence is currently insufficient to determine the role of this variant in disease. Therefore, it has been classified as a Variant of Uncertain Significance. Algorithms developed to predict the effect of missense changes on protein structure and function are either unavailable or do not agree on the potential impact of this missense change (SIFT: "Tolerated"; PolyPhen-2: "Possibly Damaging"; Align-GVGD: "Class C0"). This variant has not been reported in the literature in individuals affected with ADGRV1-related conditions. This variant is not present in population databases (gnomAD no frequency). This sequence change replaces glutamic acid, which is acidic and polar, with glutamine, which is neutral and polar, at codon 5232 of the ADGRV1 protein (p.Glu5232Gln).

NM_032119.4(ADGRV1):c.15694G>C (p.Glu5232Gln)

Gene: ADGRV1 (adhesion G protein-coupled receptor V1; plus strand). Cytogenetic location: 5q14.3.
Variant type: single nucleotide variant.
Coding change: c.15694G>C on transcript NM_032119.4 (MANE Select); coding-DNA position 15694, G replaced by C.
Protein change: p.Glu5232Gln; replaces glutamic acid 5232 with glutamine.
Molecular consequence: missense variant. On other transcripts: non-coding transcript variant (1).
Genome position (GRCh38, 1-based): chr5:90,810,954, G>C. VCF-style: chr5-90810954-G-C. GRCh37 (hg19) VCF-style: chr5-90106771-G-C.
Other names: short protein forms E5232Q.
Identifiers: ClinVar variation 1715818 (VCV001715818.5), dbSNP rs988751692, ClinGen allele CA360410517.